The following is an entry in ClinVar:

ClinVar aggregate classification (germline): Uncertain significance. Review status: criteria provided, multiple submitters, no conflicts (2 of 4 stars). 2 submissions from 2 submitters: Uncertain significance (2). Last evaluated 2024-12-05.

gnomAD v4.1: 16 of 1,613,996 alleles (0.00099%); highest among the groups gnomAD compares: African/African-American, 0.0053%; no homozygotes.

Submissions (2):

Labcorp Genetics (formerly Invitae), Labcorp
Classification: Uncertain significance. Last evaluated: 2024-12-05. Review status: criteria provided, single submitter. Criteria: Invitae Variant Classification Sherloc (09022015). Collection method: clinical testing. Allele origin: germline.
Comment: This sequence change replaces arginine, which is basic and polar, with cysteine, which is neutral and slightly polar, at codon 679 of the COL9A2 protein (p.Arg679Cys). This variant is present in population databases (rs199547057, gnomAD 0.002%). This variant has not been reported in the literature in individuals affected with COL9A2-related conditions. Invitae Evidence Modeling of protein sequence and biophysical properties (such as structural, functional, and spatial information, amino acid conservation, physicochemical variation, residue mobility, and thermodynamic stability) indicates that this missense variant is not expected to disrupt COL9A2 protein function with a negative predictive value of 95%. In summary, the available evidence is currently insufficient to determine the role of this variant in disease. Therefore, it has been classified as a Variant of Uncertain Significance.

Blueprint Genetics
Classification: Uncertain significance. Last evaluated: 2022-03-11. Review status: criteria provided, single submitter. Criteria: ACMG Guidelines, 2015. Collection method: clinical testing. Allele origin: germline.

NM_001852.4(COL9A2):c.2035C>T (p.Arg679Cys)

Gene: COL9A2 (collagen type IX alpha 2 chain; minus strand). Cytogenetic location: 1p34.2.
Variant type: single nucleotide variant.
Coding change: c.2035C>T on transcript NM_001852.4 (MANE Select); coding-DNA position 2035, C replaced by T.
Protein change: p.Arg679Cys; replaces arginine 679 with cysteine.
Molecular consequence: missense variant.
Genome position (GRCh38, 1-based): chr1:40,301,217, G>A on the plus strand (C>T on the coding strand, the complement: COL9A2 is on the minus strand). VCF-style: chr1-40301217-G-A. GRCh37 (hg19) VCF-style: chr1-40766889-G-A.
Other names: short protein forms R679C.
Identifiers: ClinVar variation 3627112 (VCV003627112.3).